The following is an entry in ClinVar:

NM_003900.5(SQSTM1):c.260T>C (p.Met87Thr)

Gene: SQSTM1 (sequestosome 1; plus strand). Cytogenetic location: 5q35.3.
Variant type: single nucleotide variant.
Coding change: c.260T>C on transcript NM_003900.5 (MANE Select); coding-DNA position 260, T replaced by C.
Protein change: p.Met87Thr; replaces methionine 87 with threonine.
Molecular consequence: missense variant.
Genome position (GRCh38, 1-based): chr5:179,823,012, T>C. VCF-style: chr5-179823012-T-C. GRCh37 (hg19) VCF-style: chr5-179250012-T-C.
Other names: c.8T>C, p.Met3Thr (NM_001142298.2, NM_001142299.2); short protein forms M87T, M3T.
Identifiers: ClinVar variation 2928652 (VCV002928652.3), dbSNP rs773117648, ClinGen allele CA3600429.

ClinVar aggregate classification (germline): Uncertain significance (1 of 4 stars; one submission).

Conditions:
Paget disease of bone 2, early-onset (PDB2). Also called: Paget disease of bone 2. Identifiers: MedGen C4085251, MONDO:0011183, OMIM 602080.
Frontotemporal dementia and/or amyotrophic lateral sclerosis 1 (FTDALS1). Also called: Frontotemporal dementia with motor neuron disease 1; C9orf72 Frontotemporal Dementia and/or Amyotrophic Lateral Sclerosis. Identifiers: Orphanet 275872, MedGen C5779877, MONDO:0007105, OMIM 105550.

Allele frequency attached by ClinVar (database versions not stated): gnomAD exomes below 0.00001; TOPMed below 0.00001; ExAC 0.00001.
gnomAD v4.1: 1 of 1,614,044 alleles (0.000062%); highest among the groups gnomAD compares: Non-Finnish European, 0.000085%; no homozygotes.

Submission:

Labcorp Genetics (formerly Invitae), Labcorp
Classification: Uncertain significance for Paget disease of bone 2, early-onset; Frontotemporal dementia and/or amyotrophic lateral sclerosis 1. Last evaluated: 2025-07-29. Review status: criteria provided, single submitter. Criteria: Invitae Variant Classification Sherloc (09022015). Collection method: clinical testing. Allele origin: germline.
Comment: This sequence change replaces methionine, which is neutral and non-polar, with threonine, which is neutral and polar, at codon 87 of the SQSTM1 protein (p.Met87Thr). This variant is present in population databases (rs773117648, gnomAD 0.0009%). This variant has not been reported in the literature in individuals affected with SQSTM1-related conditions. ClinVar contains an entry for this variant (Variation ID: 2928652). Invitae Evidence Modeling of protein sequence and biophysical properties (such as structural, functional, and spatial information, amino acid conservation, physicochemical variation, residue mobility, and thermodynamic stability) indicates that this missense variant is not expected to disrupt SQSTM1 protein function with a negative predictive value of 80%. In summary, the available evidence is currently insufficient to determine the role of this variant in disease. Therefore, it has been classified as a Variant of Uncertain Significance.